The following is an entry in ClinVar:

NM_203475.3(PORCN):c.727C>T (p.Arg243Ter)

Gene: PORCN (porcupine O-acyltransferase; plus strand). Cytogenetic location: Xp11.23.
Variant type: single nucleotide variant.
Coding change: c.727C>T on transcript NM_203475.3 (MANE Select); coding-DNA position 727, C replaced by T.
Protein change: p.Arg243Ter; replaces arginine 243 with a stop codon.
Molecular consequence: nonsense.
Genome position (GRCh38, 1-based): chrX:48,514,247, C>T. VCF-style: chrX-48514247-C-T. GRCh37 (hg19) VCF-style: chrX-48372635-C-T.
Other names: c.481C>T, p.Arg161Ter (NM_001282167.2); c.694C>T, p.Arg232Ter (NM_022825.4); c.712C>T, p.Arg238Ter (NM_203473.3); c.709C>T, p.Arg237Ter (NM_203474.1); short protein forms R232*, R237*, R238*, R161*, R243*.
Identifiers: ClinVar variation 1758058 (VCV001758058.6), dbSNP rs2519467926, ClinGen allele CA412846020.
Genomic context (GRCh38, chrX:48,514,247, plus strand): 5'-ATCATGTTGGGACCTGAACGTGATGCCTCTCACCCCTGCCCCTTTCTCCCCAGGTGGCTG[C>T]GAGCCTACGAGAGTGCTGTCTCCTTCCACTTCAGCAACTATTTTGTGGGCTTTCTTTCCG-3'

ClinVar aggregate classification (germline): Pathogenic. Review status: criteria provided, multiple submitters, no conflicts (2 of 4 stars). 5 submissions from 5 submitters: Pathogenic (5). Last evaluated 2025-01-29.

Conditions:
Inborn genetic diseases. Identifiers: MedGen C0950123, MeSH D030342.
PORCN-related disorder. Also called: PORCN-related condition.
Focal dermal hypoplasia (FDH). Also called: Goltz syndrome. Identifiers: Orphanet 2092, MedGen C0016395, MONDO:0010592, OMIM 305600.

Submissions (5):

Labcorp Genetics (formerly Invitae), Labcorp
Classification: Pathogenic. Last evaluated: 2025-01-29. Review status: criteria provided, single submitter. Criteria: Invitae Variant Classification Sherloc (09022015). Collection method: clinical testing. Allele origin: germline.
Comment: This sequence change creates a premature translational stop signal (p.Arg243*) in the PORCN gene. It is expected to result in an absent or disrupted protein product. Loss-of-function variants in PORCN are known to be pathogenic (PMID: 17546030, 19309688). This variant is not present in population databases (gnomAD no frequency). This premature translational stop signal has been observed in individual(s) with PORCN-related conditions (PMID: 17546031). ClinVar contains an entry for this variant (Variation ID: 1758058). For these reasons, this variant has been classified as Pathogenic.

Laboratorio de Genetica e Diagnostico Molecular, Hospital Israelita Albert Einstein
Classification: Pathogenic for Focal dermal hypoplasia. Last evaluated: 2024-02-29. Review status: criteria provided, single submitter. Criteria: ACMG Guidelines, 2015. Collection method: clinical testing. Allele origin: germline. Affected: yes.
Comment: ACMG classification criteria: PVS1 very strong, PS4 moderate, PM2 supporting

Baylor Genetics
Classification: Pathogenic for Focal dermal hypoplasia. Last evaluated: 2022-12-14. Review status: criteria provided, single submitter. Criteria: ACMG Guidelines, 2015. Collection method: clinical testing. Allele origin: unknown.

Ambry Genetics
Classification: Pathogenic for Inborn genetic diseases. Last evaluated: 2020-09-04. Review status: criteria provided, single submitter. Criteria: Ambry Variant Classification Scheme 2023. Collection method: clinical testing. Allele origin: germline.
Comment: The p.R243* pathogenic mutation (also known as c.727C>T), located in coding exon 8 of the PORCN gene, results from a C to T substitution at nucleotide position 727. This changes the amino acid from an arginine to a stop codon within coding exon 8. This mutation has been reported in several individuals with focal dermal hypoplasia (Grzeschik KH et al. Nat. Genet., 2007 Jul;39:833-5; Harmsen MB et al. Eur. J. Hum. Genet., 2009 Oct;17:1207-15; Smigiel R et al. Am. J. Med. Genet. A, 2011 May;155A:1102-5). In addition to the clinical data presented in the literature, this alteration is expected to result in loss of function by premature protein truncation or nonsense-mediated mRNA decay. As such, this alteration is interpreted as a disease-causing mutation.

Blueprint Genetics
Classification: Pathogenic for PORCN-related disorders. Last evaluated: 2019-03-01. Review status: criteria provided, single submitter. Criteria: ACMG Guidelines, 2015. Collection method: clinical testing. Allele origin: germline. Affected: yes. Observed: 2 variant alleles.

Literature cited by the submitters: PubMed 17546030 (cited by Labcorp Genetics (formerly Invitae), Labcorp); PubMed 19309688 (cited by Labcorp Genetics (formerly Invitae), Labcorp); PubMed 17546031 (cited by Labcorp Genetics (formerly Invitae), Labcorp and Ambry Genetics); PubMed 19277062 (cited by Ambry Genetics); PubMed 21484999 (cited by Ambry Genetics).